The following is an entry in ClinVar:

NM_002386.4(MC1R):c.727C>T (p.Leu243Phe)

Gene: MC1R (melanocortin 1 receptor; plus strand). Cytogenetic location: 16q24.3.
Variant type: single nucleotide variant.
Coding change: c.727C>T on transcript NM_002386.4 (MANE Select); coding-DNA position 727, C replaced by T.
Protein change: p.Leu243Phe; replaces leucine 243 with phenylalanine.
Molecular consequence: missense variant.
Genome position (GRCh38, 1-based): chr16:89,919,985, C>T. VCF-style: chr16-89919985-C-T. GRCh37 (hg19) VCF-style: chr16-89986393-C-T.
Other names: short protein forms L243F.
Identifiers: ClinVar variation 3871086 (VCV003871086.1).

ClinVar aggregate classification (germline): Uncertain significance (1 of 4 stars; one submission).

Submission:

Ambry Genetics
Classification: Uncertain significance. Last evaluated: 2025-01-10. Review status: criteria provided, single submitter. Criteria: Ambry Variant Classification Scheme 2023. Collection method: clinical testing. Allele origin: germline.
Comment: The p.L243F variant (also known as c.727C>T), located in coding exon 1 of the MC1R gene, results from a C to T substitution at nucleotide position 727. The leucine at codon 243 is replaced by phenylalanine, an amino acid with highly similar properties. This amino acid position is conserved. In addition, the in silico prediction for this alteration is inconclusive. Based on the available evidence, the clinical significance of this variant remains unclear.